The following is an entry in ClinVar:

NM_024741.3(ZNF408):c.1249G>T (p.Ala417Ser)

Gene: ZNF408 (zinc finger protein 408; plus strand). Cytogenetic location: 11p11.2.
Variant type: single nucleotide variant.
Coding change: c.1249G>T on transcript NM_024741.3 (MANE Select); coding-DNA position 1249, G replaced by T.
Protein change: p.Ala417Ser; replaces alanine 417 with serine.
Molecular consequence: missense variant.
Genome position (GRCh38, 1-based): chr11:46,704,949, G>T. VCF-style: chr11-46704949-G-T. GRCh37 (hg19) VCF-style: chr11-46726499-G-T.
Other names: c.1225G>T, p.Ala409Ser (NM_001184751.2); short protein forms A417S, A409S.
Identifiers: ClinVar variation 1514113 (VCV001514113.6), dbSNP rs2134510212, ClinGen allele CA380255482.

ClinVar aggregate classification (germline): Uncertain significance (1 of 4 stars; one submission).

Submission:

Labcorp Genetics (formerly Invitae), Labcorp
Classification: Uncertain significance. Last evaluated: 2022-07-25. Review status: criteria provided, single submitter. Criteria: Invitae Variant Classification Sherloc (09022015). Collection method: clinical testing. Allele origin: germline.
Comment: In summary, the available evidence is currently insufficient to determine the role of this variant in disease. Therefore, it has been classified as a Variant of Uncertain Significance. Algorithms developed to predict the effect of missense changes on protein structure and function (SIFT, PolyPhen-2, Align-GVGD) all suggest that this variant is likely to be disruptive. ClinVar contains an entry for this variant (Variation ID: 1514113). This variant has not been reported in the literature in individuals affected with ZNF408-related conditions. This variant is not present in population databases (gnomAD no frequency). This sequence change replaces alanine, which is neutral and non-polar, with serine, which is neutral and polar, at codon 417 of the ZNF408 protein (p.Ala417Ser).